The following is an entry in ClinVar:

ClinVar aggregate classification (germline): Likely pathogenic (1 of 4 stars; one submission).

Allele frequency attached by ClinVar (database versions not stated): gnomAD exomes below 0.00001.
gnomAD v4.1: 2 of 1,607,244 alleles (0.00012%); highest among the groups gnomAD compares: Admixed American, 0.0033%; no homozygotes.

Submission:

Labcorp Genetics (formerly Invitae), Labcorp
Classification: Likely pathogenic. Last evaluated: 2023-12-29. Review status: criteria provided, single submitter. Criteria: Invitae Variant Classification Sherloc (09022015). Collection method: clinical testing. Allele origin: germline.
Comment: This sequence change affects a donor splice site in intron 5 of the POLE gene. It is expected to disrupt RNA splicing. Variants that disrupt the donor or acceptor splice site typically lead to a loss of protein function (PMID: 16199547), and loss-of-function variants in POLE are known to be pathogenic (PMID: 23230001, 25948378, 30503519). This variant is not present in population databases (gnomAD no frequency). This variant has not been reported in the literature in individuals affected with POLE-related conditions. Algorithms developed to predict the effect of sequence changes on RNA splicing suggest that this variant may disrupt the consensus splice site. In summary, the currently available evidence indicates that the variant is pathogenic, but additional data are needed to prove that conclusively. Therefore, this variant has been classified as Likely Pathogenic.

Literature cited by the submitters: PubMed 16199547; PubMed 23230001; PubMed 25948378; PubMed 30503519.

NM_006231.4(POLE):c.423+1G>A

Gene: POLE (DNA polymerase epsilon, catalytic subunit; minus strand). Cytogenetic location: 12q24.33.
Variant type: single nucleotide variant.
Coding change: c.423+1G>A on transcript NM_006231.4 (MANE Select); the canonical splice donor site of the intron after coding-DNA position 423, G replaced by A.
Molecular consequence: splice donor variant.
Genome position (GRCh38, 1-based): chr12:132,679,953, C>T on the plus strand (G>A on the coding strand, the complement: POLE is on the minus strand). VCF-style: chr12-132679953-C-T. GRCh37 (hg19) VCF-style: chr12-133256539-C-T.
Identifiers: ClinVar variation 2841566 (VCV002841566.3), dbSNP rs2542190236, ClinGen allele CA387367994.